The following is an entry in ClinVar:

ClinVar aggregate classification (germline): Conflicting classifications of pathogenicity. Review status: criteria provided, conflicting classifications (1 of 4 stars). 2 submissions from 2 submitters: Uncertain significance (1); Likely benign (1). Last evaluated 2025-06-16.

Conditions:
Hereditary cancer-predisposing syndrome. Also called: Hereditary Cancer Syndrome; Neoplastic Syndromes, Hereditary; Tumor predisposition; Hereditary neoplastic syndrome. Identifiers: Orphanet 140162, MedGen C0027672, MeSH D009386, MONDO:0015356.
Mitochondrial complex II deficiency, nuclear type 1. Also called: SUCCINATE CoQ REDUCTASE DEFICIENCY. Identifiers: Orphanet 3208, MedGen C5700310, MONDO:0100294, OMIM 252011.
Pheochromocytoma/paraganglioma syndrome 5. Also called: Paragangliomas 5; SDHA-Related Hereditary Paraganglioma-Pheochromocytoma Syndrome. Identifiers: Orphanet 29072, MedGen C3279992, MONDO:0013602, OMIM 614165.

Allele frequency attached by ClinVar (database versions not stated): gnomAD exomes below 0.00001; TOPMed below 0.00001; gnomAD 0.00001; ExAC 0.00002.
gnomAD v4.1: 2 of 1,454,206 alleles (0.00014%); highest among the groups gnomAD compares: East Asian, 0.0028%; no homozygotes.

Submissions (2):

Ambry Genetics
Classification: Likely benign for Hereditary cancer-predisposing syndrome. Last evaluated: 2025-06-16. Review status: criteria provided, single submitter. Criteria: Ambry Variant Classification Scheme 2023. Collection method: clinical testing. Allele origin: germline.

Labcorp Genetics (formerly Invitae), Labcorp
Classification: Uncertain significance for Pheochromocytoma/paraganglioma syndrome 5; Mitochondrial complex II deficiency, nuclear type 1. Last evaluated: 2025-01-27. Review status: criteria provided, single submitter. Criteria: Invitae Variant Classification Sherloc (09022015). Collection method: clinical testing. Allele origin: germline.
Comment: This sequence change replaces arginine, which is basic and polar, with tryptophan, which is neutral and slightly polar, at codon 9 of the SDHA protein (p.Arg9Trp). The frequency data for this variant in the population databases is considered unreliable, as metrics indicate poor data quality at this position in the gnomAD database. This variant has not been reported in the literature in individuals affected with SDHA-related conditions. ClinVar contains an entry for this variant (Variation ID: 952939). Invitae Evidence Modeling of protein sequence and biophysical properties (such as structural, functional, and spatial information, amino acid conservation, physicochemical variation, residue mobility, and thermodynamic stability) indicates that this missense variant is not expected to disrupt SDHA protein function with a negative predictive value of 95%. In summary, the available evidence is currently insufficient to determine the role of this variant in disease. Therefore, it has been classified as a Variant of Uncertain Significance.

NM_004168.4(SDHA):c.25C>T (p.Arg9Trp)

Gene: SDHA (succinate dehydrogenase complex flavoprotein subunit A; plus strand). Cytogenetic location: 5p15.33.
Variant type: single nucleotide variant.
Coding change: c.25C>T on transcript NM_004168.4 (MANE Select); coding-DNA position 25, C replaced by T.
Protein change: p.Arg9Trp; replaces arginine 9 with tryptophan.
Molecular consequence: missense variant.
Genome position (GRCh38, 1-based): chr5:218,380, C>T. VCF-style: chr5-218380-C-T. GRCh37 (hg19) VCF-style: chr5-218495-C-T.
Other names: c.25C>T, p.Arg9Trp (NM_001294332.2, NM_001330758.2); c.25C>T (NM_004168.2); short protein forms R9W.
Identifiers: ClinVar variation 952939 (VCV000952939.11), dbSNP rs776218604, ClinGen allele CA3172688.